The following is an entry in ClinVar:

ClinVar aggregate classification (germline): Benign/Likely benign. Review status: criteria provided, multiple submitters, no conflicts (2 of 4 stars). 17 submissions from 17 submitters: Benign (5); Likely benign (8). 4 of the submissions do not count toward it. Last evaluated 2026-07-01.

Conditions:
Sitosterolemia 1. Identifiers: MedGen C2749759, MONDO:0020747, OMIM 210250.
Sitosterolemia 2. Identifiers: MedGen C5231453, MONDO:0020748, OMIM 618666.
Cardiovascular phenotype. Identifiers: MedGen CN230736.
Sitosterolemia (STSL). Also called: PHYTOSTEROLEMIA. Identifiers: Orphanet 2882, MedGen C0342907, MONDO:0008863.

Allele frequency attached by ClinVar (database versions not stated): TOPMed 0.00544; gnomAD exomes 0.00537 and 0.00602; gnomAD 0.00461 and 0.00469; ExAC 0.00541; 1000 Genomes Project 30x 0.00312; ESP Exome Variant Server 0.00515; 1000 Genomes Project 0.00240.
gnomAD v4.1: 9,554 of 1,608,908 alleles (0.59%); highest among the groups gnomAD compares: Middle Eastern, 2.2%; 52 homozygotes.

Submissions (17):

CeGaT Center for Human Genetics Tuebingen
Classification: Likely benign. Last evaluated: 2026-07-01. Review status: criteria provided, single submitter. Criteria: CeGaT Center For Human Genetics Tuebingen Variant Classification Criteria Version 2. Collection method: clinical testing. Allele origin: germline. Affected: yes. Observed: 19 variant alleles.
Comment: ABCG5: BP4, BS2

Women's Health and Genetics/Laboratory Corporation of America, LabCorp
Classification: Likely benign. Last evaluated: 2026-04-27. Review status: criteria provided, single submitter. Criteria: LabCorp Variant Classification Summary - May 2015. Collection method: clinical testing. Allele origin: germline.
Comment: Variant summary: ABCG5 c.1864A>G (p.Met622Val) results in a conservative amino acid change in the encoded protein sequence. Algorithms developed to predict the effect of missense changes on protein structure and function all suggest that this variant is likely to be tolerated. The variant allele was found at a frequency of 0.0054 in 250610 control chromosomes in the gnomAD database, including 9 homozygotes. The observed variant frequency exceeds the estimated maximal expected allele frequency for disease-causing variants in ABCG5. c.1864A>G has been observed in individuals affected with sitosterolemia or high cholesterol (e.g., Hubacek_2001, Rees_2005), however without strong evidence for causality (e.g., lack of co-segregation data). These reports do not provide unequivocal conclusions about association of the variant with Early Onset Coronary Artery Disease or Sitosterolemia. To our knowledge, no experimental evidence demonstrating an impact on protein function has been reported. The following publications have been ascertained in the context of this evaluation (PMID: 11668628, 28748566, 16029460). ClinVar contains an entry for this variant (Variation ID: 194262). Based on the evidence outlined above, the variant was classified as likely benign.

Labcorp Genetics (formerly Invitae), Labcorp
Classification: Benign for Sitosterolemia. Last evaluated: 2026-02-01. Review status: criteria provided, single submitter. Criteria: Invitae Variant Classification Sherloc (09022015). Collection method: clinical testing. Allele origin: germline.

Mayo Clinic Laboratories, Mayo Clinic
Classification: Benign. Last evaluated: 2025-05-12. Review status: criteria provided, single submitter. Criteria: ACMG Guidelines, 2015. Collection method: clinical testing. Allele origin: germline. Observed: 23 variant alleles.
Comment: BS1, BS2, BP4_strong

Molecular Diagnostic Laboratory for Inherited Cardiovascular Disease, Montreal Heart Institute
Classification: Likely benign. Last evaluated: 2025-04-09. Review status: criteria provided, single submitter. Criteria: ACMG Guidelines, 2015. Collection method: clinical testing. Allele origin: germline. Affected: no.

Blueprint Genetics
Classification: Likely benign. Last evaluated: 2024-11-21. Review status: criteria provided, single submitter. Criteria: ACMG Guidelines, 2015. Collection method: clinical testing. Allele origin: germline.

Fulgent Genetics
Classification: Likely benign for Sitosterolemia 2. Last evaluated: 2022-02-28. Review status: criteria provided, single submitter. Criteria: ACMG Guidelines, 2015. Collection method: clinical testing. Allele origin: unknown.

Genetic Services Laboratory, University of Chicago
Classification: Benign. Last evaluated: 2021-08-06. Review status: criteria provided, single submitter. Criteria: ACMG Guidelines, 2015. Collection method: clinical testing. Allele origin: germline. Affected: no.

Ambry Genetics
Classification: Benign for Cardiovascular phenotype. Last evaluated: 2019-08-30. Review status: criteria provided, single submitter. Criteria: Ambry Variant Classification Scheme 2023. Collection method: clinical testing. Allele origin: germline.

GeneDx
Classification: Benign. Last evaluated: 2019-05-16. Review status: criteria provided, single submitter. Criteria: GeneDx Variant Classification Process June 2021. Collection method: clinical testing. Allele origin: germline. Affected: yes.

Illumina Laboratory Services, Illumina
Classification: Likely benign for Sitosterolemia 1. Last evaluated: 2017-04-27. Review status: criteria provided, single submitter. Criteria: ICSL Variant Classification Criteria 13 December 2019. Collection method: clinical testing. Allele origin: germline.
Comment: This variant was observed as part of a predisposition screen in an ostensibly healthy population. A literature search was performed for the gene, cDNA change, and amino acid change (where applicable). No publications were found based on this search. Allele frequency data from public databases allowed determination this variant is unlikely to cause disease. Therefore, this variant is classified as likely benign.

Eurofins Ntd Llc (ga)
Classification: Likely benign. Last evaluated: 2016-04-26. Review status: criteria provided, single submitter. Criteria: EGL Classification Definitions 2015. Collection method: clinical testing. Allele origin: germline. Observed: 2 variant alleles, 2 heterozygotes.

Breakthrough Genomics
Classification: Likely benign. Review status: criteria provided, single submitter. Criteria: ACMG Guidelines, 2015. Collection method: not provided. Allele origin: germline. Inheritance: Autosomal recessive inheritance. Affected: yes.

Clinical Genetics DNA and cytogenetics Diagnostics Lab, Erasmus MC, Erasmus Medical Center
Classification: Benign. Review status: no assertion criteria provided. Collection method: clinical testing. Allele origin: germline. Affected: yes. Study: VKGL Data-share Consensus. Not counted in ClinVar's aggregate classification.

Clinical Genetics, Academic Medical Center
Classification: Likely benign. Review status: no assertion criteria provided. Collection method: clinical testing. Allele origin: germline. Affected: yes. Study: VKGL Data-share Consensus. Not counted in ClinVar's aggregate classification.

Genome Diagnostics Laboratory, University Medical Center Utrecht
Classification: Likely benign. Review status: no assertion criteria provided. Collection method: clinical testing. Allele origin: germline. Affected: yes. Study: VKGL Data-share Consensus. Not counted in ClinVar's aggregate classification.

ISTH-SSC Genomics in Thrombosis and Hemostasis, KU Leuven, Center for Molecular and Vascular Biology
Classification: Uncertain significance for Sitosterolemia 1. Review status: no assertion criteria provided. Collection method: research. Allele origin: unknown. Affected: yes. Not counted in ClinVar's aggregate classification.
Comment: Submitted to GoldVariant by Neil Morgan from Birmingham Platelet Group, Birmingham, UK

Literature cited by the submitters: PubMed 28748566 (cited by Women's Health and Genetics/Laboratory Corporation of America, LabCorp); PubMed 11668628 (cited by Women's Health and Genetics/Laboratory Corporation of America, LabCorp); PubMed 16029460 (cited by Women's Health and Genetics/Laboratory Corporation of America, LabCorp); PubMed 30349881 (cited by Mayo Clinic Laboratories, Mayo Clinic); PubMed 32978801 (cited by Mayo Clinic Laboratories, Mayo Clinic); PubMed 38299163 (cited by Mayo Clinic Laboratories, Mayo Clinic); PubMed 40115465 (cited by Mayo Clinic Laboratories, Mayo Clinic).

NM_022436.3(ABCG5):c.1864A>G (p.Met622Val)

Genes: ABCG5 (ATP binding cassette subfamily G member 5; minus strand), DYNC2LI1 (dynein cytoplasmic 2 light intermediate chain 1; plus strand). Cytogenetic location: 2p21.
Variant type: single nucleotide variant.
Coding change: c.1864A>G on transcript NM_022436.3 (MANE Select); coding-DNA position 1864, A replaced by G.
Protein change: p.Met622Val; replaces methionine 622 with valine.
Molecular consequence: missense variant. On other transcripts: intron variant (2).
Genome position (GRCh38, 1-based): chr2:43,813,208, T>C on the plus strand (A>G on the coding strand, the complement: ABCG5 is on the minus strand). VCF-style: chr2-43813208-T-C. GRCh37 (hg19) VCF-style: chr2-44040347-T-C.
Other names: c.*15+2684T>C (NM_001348913.2, NM_001348912.2); short protein forms M622V.
Identifiers: ClinVar variation 194262 (VCV000194262.61), dbSNP rs140374206, ClinGen allele CA240144.